The following is an entry in ClinVar:

ClinVar aggregate classification (germline): Uncertain significance (1 of 4 stars; one submission).

Allele frequency attached by ClinVar (database versions not stated): gnomAD exomes below 0.00001; TOPMed 0.00001.

Submission:

Labcorp Genetics (formerly Invitae), Labcorp
Classification: Uncertain significance. Last evaluated: 2022-03-27. Review status: criteria provided, single submitter. Criteria: Invitae Variant Classification Sherloc (09022015). Collection method: clinical testing. Allele origin: germline.
Comment: This variant is not present in population databases (gnomAD no frequency). This sequence change replaces methionine, which is neutral and non-polar, with threonine, which is neutral and polar, at codon 240 of the CARMIL2 protein (p.Met240Thr). In summary, the available evidence is currently insufficient to determine the role of this variant in disease. Therefore, it has been classified as a Variant of Uncertain Significance. Algorithms developed to predict the effect of missense changes on protein structure and function are either unavailable or do not agree on the potential impact of this missense change (SIFT: "Deleterious"; PolyPhen-2: "Benign"; Align-GVGD: "Class C0"). This variant has not been reported in the literature in individuals affected with CARMIL2-related conditions.

NM_001013838.3(CARMIL2):c.719T>C (p.Met240Thr)

Gene: CARMIL2 (capping protein regulator and myosin 1 linker 2; plus strand). Cytogenetic location: 16q22.1.
Variant type: single nucleotide variant.
Coding change: c.719T>C on transcript NM_001013838.3 (MANE Select); coding-DNA position 719, T replaced by C.
Protein change: p.Met240Thr; replaces methionine 240 with threonine.
Molecular consequence: missense variant.
Genome position (GRCh38, 1-based): chr16:67,647,330, T>C. VCF-style: chr16-67647330-T-C. GRCh37 (hg19) VCF-style: chr16-67681233-T-C.
Other names: c.719T>C, p.Met240Thr (NM_001317026.3); short protein forms M240T.
Identifiers: ClinVar variation 1981502 (VCV001981502.4), dbSNP rs2052612913, ClinGen allele CA396332597.